The following is an entry in ClinVar:

NM_019066.5(MAGEL2):c.1468C>G (p.Pro490Ala)

Gene: MAGEL2 (MAGE family member L2; minus strand). Cytogenetic location: 15q11.2.
Variant type: single nucleotide variant.
Coding change: c.1468C>G on transcript NM_019066.5 (MANE Select); coding-DNA position 1468, C replaced by G.
Protein change: p.Pro490Ala; replaces proline 490 with alanine.
Molecular consequence: missense variant.
Genome position (GRCh38, 1-based): chr15:23,646,275, G>C on the plus strand (C>G on the coding strand, the complement: MAGEL2 is on the minus strand). VCF-style: chr15-23646275-G-C. GRCh37 (hg19) VCF-style: chr15-23891422-G-C.
Other names: short protein forms P490A.
Identifiers: ClinVar variation 973315 (VCV000973315.40), dbSNP rs933647897, ClinGen allele CA267660327.

ClinVar aggregate classification (germline): Conflicting classifications of pathogenicity. Review status: criteria provided, conflicting classifications (1 of 4 stars). 6 submissions from 6 submitters: Uncertain significance (4); Likely benign (1). 1 of the submissions does not count toward it. Last evaluated 2026-07-22.

Conditions:
MAGEL2-related disorder. Also called: MAGEL2-related condition.
Schaaf-Yang syndrome (SHFYNG). Also called: MAGEL2-related Prader-Willi-like syndrome; Arthrogryposis, distal, with hypopituitarism, intellectual disability, and facial anomalies. Identifiers: Orphanet 398069, MedGen C5575066, MONDO:0014243, OMIM 615547.
Inborn genetic diseases. Identifiers: MedGen C0950123, MeSH D030342.

Allele frequency attached by ClinVar (database versions not stated): TOPMed 0.00005; gnomAD 0.00009; gnomAD exomes 0.00027; 1000 Genomes Project 30x 0.00031.

Submissions (6):

PreventionGenetics, part of Exact Sciences
Classification: Likely benign for MAGEL2-related condition. Last evaluated: 2026-07-22. Review status: criteria provided, single submitter. Criteria: ACMG Guidelines, 2015. Collection method: clinical testing. Allele origin: germline.
Comment: This variant is classified as likely benign based on ACMG/AMP sequence variant interpretation guidelines (Richards et al. 2015 PMID: 25741868, with internal and published modifications).

CeGaT Center for Human Genetics Tuebingen
Classification: Uncertain significance. Last evaluated: 2026-02-01. Review status: criteria provided, single submitter. Criteria: CeGaT Center For Human Genetics Tuebingen Variant Classification Criteria Version 2. Collection method: clinical testing. Allele origin: germline. Affected: yes. Observed: 2 variant alleles.
Comment: MAGEL2: PP3

Labcorp Genetics (formerly Invitae), Labcorp
Classification: Uncertain significance. Last evaluated: 2025-05-05. Review status: criteria provided, single submitter. Criteria: Invitae Variant Classification Sherloc (09022015). Collection method: clinical testing. Allele origin: germline.
Comment: This sequence change replaces proline, which is neutral and non-polar, with alanine, which is neutral and non-polar, at codon 490 of the MAGEL2 protein (p.Pro490Ala). This variant is present in population databases (no rsID available, gnomAD 0.02%). This variant has not been reported in the literature in individuals affected with MAGEL2-related conditions. ClinVar contains an entry for this variant (Variation ID: 973315). Invitae Evidence Modeling of protein sequence and biophysical properties (such as structural, functional, and spatial information, amino acid conservation, physicochemical variation, residue mobility, and thermodynamic stability) indicates that this missense variant is not expected to disrupt MAGEL2 protein function with a negative predictive value of 80%. In summary, the available evidence is currently insufficient to determine the role of this variant in disease. Therefore, it has been classified as a Variant of Uncertain Significance.

Ambry Genetics
Classification: Uncertain significance for Inborn genetic diseases. Last evaluated: 2021-12-13. Review status: criteria provided, single submitter. Criteria: Ambry Variant Classification Scheme 2023. Collection method: clinical testing. Allele origin: germline.

Illumina Laboratory Services, Illumina
Classification: Uncertain significance for Schaaf-Yang syndrome. Last evaluated: 2019-09-17. Review status: criteria provided, single submitter. Criteria: ICSLVariantClassificationCriteria RUGD 01 April 2020. Collection method: clinical testing. Allele origin: unknown.
Comment: The MAGEL2 c.1468C>G (p.Pro490Ala) variant is a missense variant. A literature search was performed for the gene, cDNA change, and amino acid change. No publications were found based on this search. This variant is not found in the the Genome Aggregation Database in a region of good sequence coverage, so the variant is presumed to be rare. Based on the limited evidence and application of ACMG criteria, the p.Pro490Ala variant is classified as a variant of unknown significance for Schaaf-Yang syndrome.

Department of Pathology and Laboratory Medicine, Sinai Health System
Classification: Uncertain significance. Review status: no assertion criteria provided. Collection method: clinical testing. Allele origin: unknown. Affected: yes. Study: The Canadian Open Genetics Repository (COGR). Not counted in ClinVar's aggregate classification.
Comment: The MAGEL2 p.Pro490Ala variant was not identified in the literature nor was it identified in ClinVar or LOVD 3.0. The variant was identified in dbSNP (ID: rs933647897) and in control databases in 3 of 38506 chromosomes at a frequency of 0.00007791 (Genome Aggregation Database March 6, 2019, v2.1.1). The variant was observed in the European (non-Finnish) population in 3 of 19368 chromosomes (freq: 0.000155), but was not observed in the African, Latino, Ashkenazi Jewish, East Asian, European (Finnish), Other, or South Asian populations. The p.Pro490 residue has limited species conservation data available. The variant occurs outside of the splicing consensus sequence and in silico or computational prediction software programs (SpliceSiteFinder, MaxEntScan, NNSPLICE, GeneSplicer) do not predict a difference in splicing. In summary, based on the above information the clinical significance of this variant cannot be determined with certainty at this time. This variant is classified as a variant of uncertain significance.